The following is an entry in ClinVar:

ClinVar aggregate classification (germline): Uncertain significance (0 of 4 stars; one submission).

Conditions:
RYR2-related disorder. Also called: RYR2-related condition.

gnomAD v4.1: 4 of 1,613,760 alleles (0.00025%); highest among the groups gnomAD compares: South Asian, 0.0044%; no homozygotes.

Submission:

PreventionGenetics, part of Exact Sciences
Classification: Uncertain significance for RYR2-related condition. Last evaluated: 2024-05-16. Review status: no assertion criteria provided. Collection method: clinical testing. Allele origin: germline.
Comment: The RYR2 c.879G>C variant is predicted to result in the amino acid substitution p.Gln293His. To our knowledge, this variant has not been reported in the literature or in a large population database, indicating this variant is rare. At this time, the clinical significance of this variant is uncertain due to the absence of conclusive functional and genetic evidence.

NM_001035.3(RYR2):c.879G>C (p.Gln293His)

Gene: RYR2 (ryanodine receptor 2; plus strand). Cytogenetic location: 1q43.
Variant type: single nucleotide variant.
Coding change: c.879G>C on transcript NM_001035.3 (MANE Select); coding-DNA position 879, G replaced by C.
Protein change: p.Gln293His; replaces glutamine 293 with histidine.
Molecular consequence: missense variant.
Genome position (GRCh38, 1-based): chr1:237,423,122, G>C. VCF-style: chr1-237423122-G-C. GRCh37 (hg19) VCF-style: chr1-237586422-G-C.
Other names: short protein forms Q293H.
Identifiers: ClinVar variation 3354546 (VCV003354546.1).